The following is an entry in ClinVar:

ClinVar aggregate classification (germline): Uncertain significance (1 of 4 stars; one submission).

Conditions:
Hereditary breast ovarian cancer syndrome. Also called: Hereditary breast and ovarian cancer; Hereditary breast and ovarian cancer syndrome; Breast and ovarian cancer; BRCA1- and BRCA2-Associated Hereditary Breast and Ovarian Cancer; Hereditary breast and/or ovarian cancer syndrome; Hereditary breast and ovarian cancer syndrome (HBOC). Identifiers: Orphanet 145, MedGen C0677776, MeSH D061325, MONDO:0003582. Disease mechanism: loss of function.

Submission:

Labcorp Genetics (formerly Invitae), Labcorp
Classification: Uncertain significance for Hereditary breast ovarian cancer syndrome. Last evaluated: 2022-02-19. Review status: criteria provided, single submitter. Criteria: Invitae Variant Classification Sherloc (09022015). Collection method: clinical testing. Allele origin: germline.
Comment: This sequence change falls in intron 7 of the BRCA1 gene. It does not directly change the encoded amino acid sequence of the BRCA1 protein. This variant is not present in population databases (gnomAD no frequency). This variant has not been reported in the literature in individuals affected with BRCA1-related conditions. Algorithms developed to predict the effect of sequence changes on RNA splicing suggest that this variant may disrupt the consensus splice site. In summary, the available evidence is currently insufficient to determine the role of this variant in disease. Therefore, it has been classified as a Variant of Uncertain Significance.

NM_007294.4(BRCA1):c.548-25_548-11dup

Gene: BRCA1 (BRCA1 DNA repair associated; minus strand). Cytogenetic location: 17q21.31.
Variant type: Duplication.
Coding change: c.548-25_548-11dup on transcript NM_007294.4 (MANE Select); 25 bases into the intron before coding-DNA position 548 through 11 bases into the intron before coding-DNA position 548, 15 bases duplicated (TATTTTTTGGGGGGA).
Molecular consequence: intron variant.
Genome position (GRCh38, 1-based): chr17:43,097,300-43,097,314, TCCCCCCAAAAAATA duplicated on the plus strand (TATTTTTTGGGGGGA on the coding strand, the reverse complement: BRCA1 is on the minus strand). VCF-style (leftmost placement, unchanged base first): chr17-43097299-T-TTCCCCCCAAAAAATA. GRCh37 (hg19) VCF-style: chr17-41249316-T-TTCCCCCCAAAAAATA.
Other names: c.470-25_470-11dup (NM_001408411.1, NM_001407655.1, NM_001408412.1 and 9 more transcripts); c.335-2454_335-2440dup (NM_001407956.1, NM_001408509.1, NM_001408508.1 and 3 more transcripts); c.335-25_335-11dup (NM_001407897.1, NM_001407898.1, NM_001408491.1 and 12 more transcripts); c.338-2454_338-2440dup (NM_001407947.1, NM_001407957.1, NM_001407953.1 and 7 more transcripts); c.338-25_338-11dup (NM_001408514.1, NM_001408485.1, NM_001407908.1 and 27 more transcripts); c.545-2454_545-2440dup (NM_001408447.1, NM_001408433.1, NM_001407690.1 and 20 more transcripts); c.545-25_545-11dup (NM_001407630.1, NM_001407633.1, NM_001407615.1 and 41 more transcripts); c.548-2454_548-2440dup (NM_001408441.1, NM_001408437.1, NM_001408429.1 and 34 more transcripts); and 17 more.
Identifiers: ClinVar variation 2099732 (VCV002099732.4), dbSNP rs2552236114, ClinGen allele CA2580094134.